The following is an entry in ClinVar:

ClinVar aggregate classification (germline): Pathogenic (1 of 4 stars; one submission).

Conditions:
Autoimmune lymphoproliferative syndrome type 1. Also called: AUTOIMMUNE LYMPHOPROLIFERATIVE SYNDROME, TYPE I, AUTOSOMAL DOMINANT. Identifiers: Orphanet 3261, MedGen C2717884, MONDO:0011158, OMIM 601859.

Submission:

Labcorp Genetics (formerly Invitae), Labcorp
Classification: Pathogenic for Autoimmune lymphoproliferative syndrome. Last evaluated: 2022-09-01. Review status: criteria provided, single submitter. Criteria: Invitae Variant Classification Sherloc (09022015). Collection method: clinical testing. Allele origin: germline.
Comment: Disruption of this splice site has been observed in individuals with autoimmune lymphoproliferative syndrome (PMID: 10515860, 22237435). This variant is not present in population databases (gnomAD no frequency). This sequence change affects a donor splice site in intron 8 of the FAS gene. RNA analysis indicates that disruption of this splice site induces altered splicing and likely disrupts the C-terminus of the protein. For these reasons, this variant has been classified as Pathogenic. Variants that disrupt the consensus splice site are a relatively common cause of aberrant splicing (PMID: 17576681, 9536098). Studies have shown that disruption of this splice site results in skipping of exon 8 and introduces a new termination codon (PMID: 10515860, 22237435). However the mRNA is not expected to undergo nonsense-mediated decay. ClinVar contains an entry for this variant (Variation ID: 645697).

Literature cited by the submitters: PubMed 10515860; PubMed 22237435; PubMed 17576681; PubMed 9536098.

NM_000043.6(FAS):c.676+1G>A

Gene: FAS (Fas cell surface death receptor; plus strand). Cytogenetic location: 10q23.31.
Variant type: single nucleotide variant.
Coding change: c.676+1G>A on transcript NM_000043.6 (MANE Select); the canonical splice donor site of the intron after coding-DNA position 676, G replaced by A.
Molecular consequence: splice donor variant. On other transcripts: intron variant (1).
Genome position (GRCh38, 1-based): chr10:89,013,368, G>A. VCF-style: chr10-89013368-G-A. GRCh37 (hg19) VCF-style: chr10-90773125-G-A.
Other names: c.652-751G>A (NM_152872.4); c.593+1G>A (NM_001320619.2); c.613+1G>A (NM_152871.4); c.721+1G>A (NM_001410956.1).
Identifiers: ClinVar variation 645697 (VCV000645697.7), dbSNP rs1589488640, ClinGen allele CA377509465.